The following is an entry in ClinVar:

ClinVar aggregate classification (germline): Uncertain significance. Review status: criteria provided, multiple submitters, no conflicts (2 of 4 stars). 2 submissions from 2 submitters: Uncertain significance (2). Last evaluated 2025-03-12.

Conditions:
Hereditary cancer-predisposing syndrome. Also called: Hereditary Cancer Syndrome; Hereditary neoplastic syndrome; Tumor predisposition; Neoplastic Syndromes, Hereditary. Identifiers: Orphanet 140162, MedGen C0027672, MeSH D009386, MONDO:0015356.

Submissions (2):

Labcorp Genetics (formerly Invitae), Labcorp
Classification: Uncertain significance. Last evaluated: 2025-03-12. Review status: criteria provided, single submitter. Criteria: Invitae Variant Classification Sherloc (09022015). Collection method: clinical testing. Allele origin: germline.
Comment: This sequence change replaces asparagine, which is neutral and polar, with threonine, which is neutral and polar, at codon 827 of the CTNNA1 protein (p.Asn827Thr). This variant is not present in population databases (gnomAD no frequency). This variant has not been reported in the literature in individuals affected with CTNNA1-related conditions. ClinVar contains an entry for this variant (Variation ID: 1791907). Invitae Evidence Modeling of protein sequence and biophysical properties (such as structural, functional, and spatial information, amino acid conservation, physicochemical variation, residue mobility, and thermodynamic stability) indicates that this missense variant is not expected to disrupt CTNNA1 protein function with a negative predictive value of 80%. In summary, the available evidence is currently insufficient to determine the role of this variant in disease. Therefore, it has been classified as a Variant of Uncertain Significance.

Ambry Genetics
Classification: Uncertain significance for Hereditary cancer-predisposing syndrome. Last evaluated: 2022-03-07. Review status: criteria provided, single submitter. Criteria: Ambry Variant Classification Scheme 2023. Collection method: clinical testing. Allele origin: germline.
Comment: The p.N827T variant (also known as c.2480A>C), located in coding exon 17 of the CTNNA1 gene, results from an A to C substitution at nucleotide position 2480. The asparagine at codon 827 is replaced by threonine, an amino acid with similar properties. This amino acid position is conserved. In addition, this alteration is predicted to be tolerated by in silico analysis. Since supporting evidence is limited at this time, the clinical significance of this alteration remains unclear.

NM_001903.5(CTNNA1):c.2480A>C (p.Asn827Thr)

Gene: CTNNA1 (catenin alpha 1; plus strand). Cytogenetic location: 5q31.2.
Variant type: single nucleotide variant.
Coding change: c.2480A>C on transcript NM_001903.5 (MANE Select); coding-DNA position 2480, A replaced by C.
Protein change: p.Asn827Thr; replaces asparagine 827 with threonine.
Molecular consequence: missense variant. On other transcripts: 3 prime UTR variant (5).
Genome position (GRCh38, 1-based): chr5:138,933,848, A>C. VCF-style: chr5-138933848-A-C. GRCh37 (hg19) VCF-style: chr5-138269537-A-C.
Other names: c.*25A>C (NM_001290307.3, NM_001324002.1, NM_001324003.1 and 2 more transcripts); c.2171A>C, p.Asn724Thr (NM_001290309.3); c.2111A>C, p.Asn704Thr (NM_001290310.3); c.1370A>C, p.Asn457Thr (NM_001290312.1, NM_001323987.1, NM_001323988.1 and 12 more transcripts); c.2480A>C, p.Asn827Thr (NM_001323982.2, NM_001323983.1, NM_001323984.2); c.2453A>C, p.Asn818Thr (NM_001323985.2); c.2387A>C, p.Asn796Thr (NM_001323986.2); c.1235A>C, p.Asn412Thr (NM_001324001.1); and 3 more; short protein forms N412T, N426T, N796T, N344T, N457T, N704T, N724T, N827T.
Identifiers: ClinVar variation 1791907 (VCV001791907.5), dbSNP rs2533948787, ClinGen allele CA361135132.
Genomic context (GRCh38, chr5:138,933,848, plus strand): 5'-TGTCTGCCTCGTAGGTGGACAGCGCCATGTCCCTGATCCAGGCAGCCAAGAACTTGATGA[A>C]TGCTGTGGTGCAGACAGTGAAGGCATCCTACGTCGCCTCTACCAAATACCAAAAGTCACA-3'
Protein context (NP_001894.2, residues 817-837): SLIQAAKNLM[Asn827Thr]AVVQTVKASY